The following is an entry in ClinVar:

ClinVar aggregate classification (germline): Uncertain significance (1 of 4 stars; one submission).

Conditions:
Cardiomyopathy (CMYO). Also called: Cardiomyopathies. Identifiers: Orphanet 167848, MedGen C0878544, MONDO:0004994, HP:0001638. Inheritance: Various modes of inheritance.

Submission:

All of Us Research Program, National Institutes of Health
Classification: Uncertain significance for Cardiomyopathy. Last evaluated: 2024-08-23. Review status: criteria provided, single submitter. Criteria: ACMG Guidelines, 2015. Collection method: clinical testing. Allele origin: germline. Inheritance: Autosomal dominant inheritance. Observed: 1 variant allele, 1 heterozygote.
Comment: This missense variant replaces glutamine with histidine at codon 272 of the TNNT2 protein. Computational prediction is inconclusive regarding the impact of this variant on protein structure and function (internally defined REVEL score threshold 0.5 < inconclusive < 0.7, PMID: 27666373). To our knowledge, functional studies have not been reported for this variant. This variant has not been reported in individuals affected with TNNT2-related disorders in the literature. This variant has not been identified in the general population by the Genome Aggregation Database (gnomAD). The available evidence is insufficient to determine the role of this variant in disease conclusively. Therefore, this variant is classified as a Variant of Uncertain Significance.

This study involves interpretation of variants in research participants for the purpose of population health screening. Participant phenotype was not available at the time of variant classification. Additional details can be found in publication PMID: 35346344, PMCID: PMC8962531

NM_001276345.2(TNNT2):c.846G>C (p.Gln282His)

Gene: TNNT2 (troponin T2, cardiac type; minus strand). Cytogenetic location: 1q32.1.
Variant type: single nucleotide variant.
Coding change: c.846G>C on transcript NM_001276345.2 (MANE Select); coding-DNA position 846, G replaced by C.
Protein change: p.Gln282His; replaces glutamine 282 with histidine.
Molecular consequence: missense variant.
Genome position (GRCh38, 1-based): chr1:201,359,628, C>G on the plus strand (G>C on the coding strand, the complement: TNNT2 is on the minus strand). VCF-style: chr1-201359628-C-G. GRCh37 (hg19) VCF-style: chr1-201328756-C-G.
Other names: c.837G>C, p.Gln279His (NM_000364.4, NM_001406723.1); c.816G>C, p.Gln272His (NM_001001430.3, NM_001276347.2, NM_001406724.1); c.807G>C, p.Gln269His (NM_001001431.3, NM_001406726.1, NM_001406727.1); c.798G>C, p.Gln266His (NM_001001432.3); c.717G>C, p.Gln239His (NM_001276346.2); c.813G>C, p.Gln271His (NM_001406725.1); c.801G>C, p.Gln267His (NM_001406728.1); short protein forms Q239H, Q266H, Q267H, Q269H, Q271H, Q272H, Q279H, Q282H.
Identifiers: ClinVar variation 3386112 (VCV003386112.1).